The following is an entry in ClinVar:

ClinVar aggregate classification (germline): Likely benign (1 of 4 stars; one submission).

Allele frequency attached by ClinVar (database versions not stated): gnomAD exomes 0.00003 and 0.00005; TOPMed 0.00003; gnomAD 0.00004 and 0.00005; ExAC 0.00005; ESP Exome Variant Server 0.00008.
gnomAD v4.1: 54 of 1,613,922 alleles (0.0033%); highest among the groups gnomAD compares: Admixed American, 0.005%; no homozygotes.

Submission:

CeGaT Center for Human Genetics Tuebingen
Classification: Likely benign. Last evaluated: 2023-06-01. Review status: criteria provided, single submitter. Criteria: CeGaT Center For Human Genetics Tuebingen Variant Classification Criteria Version 2. Collection method: clinical testing. Allele origin: germline. Affected: yes. Observed: 3 variant alleles.
Comment: KIF5C: BS2

NM_004522.3(KIF5C):c.2789A>G (p.His930Arg)

Gene: KIF5C (kinesin family member 5C; plus strand). Cytogenetic location: 2q23.2.
Variant type: single nucleotide variant.
Coding change: c.2789A>G on transcript NM_004522.3 (MANE Select); coding-DNA position 2789, A replaced by G.
Protein change: p.His930Arg; replaces histidine 930 with arginine.
Molecular consequence: missense variant. On other transcripts: non-coding transcript variant (1).
Genome position (GRCh38, 1-based): chr2:149,011,591, A>G. VCF-style: chr2-149011591-A-G. GRCh37 (hg19) VCF-style: chr2-149868105-A-G.
Other names: short protein forms H930R.
Identifiers: ClinVar variation 808819 (VCV000808819.42), dbSNP rs375455696, ClinGen allele CA1901786.